The following is an entry in ClinVar:

NM_000059.4(BRCA2):c.67+1224dup

Gene: BRCA2 (BRCA2 DNA repair associated; plus strand). Cytogenetic location: 13q13.1.
Variant type: Duplication.
Coding change: c.67+1224dup on transcript NM_000059.4 (MANE Select); 1224 bases into the intron after coding-DNA position 67, one base duplicated (T; older notation c.67+1224dupT).
Molecular consequence: intron variant.
Genome position (GRCh38, 1-based): chr13:32,317,751, T duplicated; the last of 4 consecutive T bases (chr13:32,317,748-32,317,751); duplicating any one gives the same sequence. VCF-style (leftmost placement, unchanged base first): chr13-32317747-A-AT. GRCh37 (hg19) VCF-style: chr13-32891884-A-AT.
Other names: IVS 2+1220insT.
Identifiers: ClinVar variation 209610 (VCV000209610.1), dbSNP rs145615358, ClinGen allele CA276579.

ClinVar aggregate classification (germline): Benign (3 of 4 stars; one submission).

Conditions:
Breast-ovarian cancer, familial, susceptibility to, 2 (BROVCA2). Also called: BRCA2 Hereditary Breast and Ovarian Cancer. Identifiers: Orphanet 145, MedGen C2675520, MONDO:0012933, OMIM 612555. Disease mechanism: loss of function.

Submission:

Evidence-based Network for the Interpretation of Germline Mutant Alleles (ENIGMA)
Classification: Benign for Breast-ovarian cancer, familial 2. Last evaluated: 2015-01-12. Review status: reviewed by expert panel. Criteria: ENIGMA BRCA1/2 Classification Criteria (2015). Collection method: curation. Allele origin: germline.
Comment: Class 1 not pathogenic based on frequency >1% in an outbred sampleset. Frequency 0.02 (European), derived from 1000 genomes (2012-04-30).